The following is an entry in ClinVar:

NM_020066.5(FMN2):c.1100C>T (p.Ala367Val)

Gene: FMN2 (formin 2; plus strand). Cytogenetic location: 1q43.
Variant type: single nucleotide variant.
Coding change: c.1100C>T on transcript NM_020066.5 (MANE Select); coding-DNA position 1100, C replaced by T.
Protein change: p.Ala367Val; replaces alanine 367 with valine.
Molecular consequence: missense variant.
Genome position (GRCh38, 1-based): chr1:240,093,209, C>T. VCF-style: chr1-240093209-C-T. GRCh37 (hg19) VCF-style: chr1-240256509-C-T.
Other names: c.1100C>T, p.Ala367Val (NM_001305424.2, NM_001348094.2); short protein forms A367V.
Identifiers: ClinVar variation 1307955 (VCV001307955.3), dbSNP rs754219620, ClinGen allele CA1476259.

ClinVar aggregate classification (germline): Uncertain significance. Review status: criteria provided, multiple submitters, no conflicts (2 of 4 stars). 2 submissions from 2 submitters: Uncertain significance (2). Last evaluated 2024-01-04.

Conditions:
Inborn genetic diseases. Identifiers: MedGen C0950123, MeSH D030342.

Allele frequency attached by ClinVar (database versions not stated): gnomAD exomes 0.00002; ExAC 0.00011.
gnomAD v4.1: 16 of 1,502,582 alleles (0.0011%); highest among the groups gnomAD compares: Non-Finnish European, 0.0014%; no homozygotes.

Submissions (2):

Ambry Genetics
Classification: Uncertain significance for Inborn genetic diseases. Last evaluated: 2024-01-04. Review status: criteria provided, single submitter. Criteria: Ambry Variant Classification Scheme 2023. Collection method: clinical testing. Allele origin: germline.

GeneDx
Classification: Uncertain significance. Last evaluated: 2019-08-27. Review status: criteria provided, single submitter. Criteria: GeneDx Variant Classification Process June 2021. Collection method: clinical testing. Allele origin: germline. Affected: yes.
Comment: Has not been previously published as pathogenic or benign to our knowledge; In silico analysis, which includes protein predictors and evolutionary conservation, supports that this variant does not alter protein structure/function